The following is an entry in ClinVar:

NM_020975.6(RET):c.1724C>T (p.Thr575Ile)

Gene: RET (ret proto-oncogene; plus strand). Cytogenetic location: 10q11.21.
Variant type: single nucleotide variant.
Coding change: c.1724C>T on transcript NM_020975.6 (MANE Select); coding-DNA position 1724, C replaced by T.
Protein change: p.Thr575Ile; replaces threonine 575 with isoleucine.
Molecular consequence: missense variant.
Genome position (GRCh38, 1-based): chr10:43,112,928, C>T. VCF-style: chr10-43112928-C-T. GRCh37 (hg19) VCF-style: chr10-43608376-C-T.
Other names: c.1595C>T, p.Thr532Ile (NM_001406761.1, NM_001406762.1, NM_001406764.1 and 1 more transcripts); c.1724C>T, p.Thr575Ile (NM_001406763.1, NM_001406765.1, NM_000323.2 and 6 more transcripts); c.1436C>T, p.Thr479Ile (NM_001406766.1, NM_001406767.1, NM_001406770.1); c.1328C>T, p.Thr443Ile (NM_001406769.1, NM_001406772.1); c.827C>T, p.Thr276Ile (NM_001406780.1, NM_001406781.1, NM_001406782.1 and 3 more transcripts); c.698C>T, p.Thr233Ile (NM_001406783.1, NM_001406786.1); c.734C>T, p.Thr245Ile (NM_001406784.1); c.539C>T, p.Thr180Ile (NM_001406788.1, NM_001406789.1, NM_001406790.1 and 1 more transcripts); and 5 more; short protein forms T575I, T321I, T443I, T532I, T233I, T245I, T333I, T400I.
Identifiers: ClinVar variation 136104 (VCV000136104.19), dbSNP rs587780808, ClinGen allele CA007725.
Genomic context (GRCh38, chr10:43,112,928, plus strand): 5'-TCTCCACCTGCTCTCCCAGCACCAAGACCTGCCCCGACGGCCACTGCGATGTTGTGGAGA[C>T]CCAAGACATCAACATTTGCCCTCAGGACTGCCTCCGTAAGCAGGGTTTAATCAGGGCATG-3'
Protein context (NP_066124.1, residues 565-585): CPDGHCDVVE[Thr575Ile]QDINICPQDC

ClinVar aggregate classification (germline): Uncertain significance. Review status: criteria provided, multiple submitters, no conflicts (2 of 4 stars). 6 submissions from 6 submitters: Uncertain significance (5). 1 of the submissions does not count toward it. Last evaluated 2026-01-17.

Conditions:
RET-related disorder. Also called: RET-related condition; RET-related disease; RET-related disorders.
Hereditary cancer-predisposing syndrome. Also called: Neoplastic Syndromes, Hereditary; Tumor predisposition; Hereditary Cancer Syndrome; Hereditary neoplastic syndrome. Identifiers: Orphanet 140162, MedGen C0027672, MeSH D009386, MONDO:0015356.
Multiple endocrine neoplasia, type 2 (MEN2). Identifiers: Orphanet 653, MedGen C4048306, MONDO:0019003. Disease mechanism: gain of function.
Multiple endocrine neoplasia type 2A. Also called: MULTIPLE ENDOCRINE NEOPLASIA, TYPE IIA; PTC SYNDROME; SIPPLE SYNDROME; MEN 2A; MEN-2A syndrome; Pheochromocytoma and amyloid producing medullary thyroid carcinoma. Identifiers: Orphanet 247698, Orphanet 653, MedGen C0025268, MeSH D018813, MONDO:0008234, OMIM 171400.

Allele frequency attached by ClinVar (database versions not stated): gnomAD exomes below 0.00001; TOPMed 0.00002; gnomAD 0.00003 and 0.00004.
gnomAD v4.1: 6 of 1,614,024 alleles (0.00037%); highest among the groups gnomAD compares: African/African-American, 0.0067%; no homozygotes.

Submissions (6):

Labcorp Genetics (formerly Invitae), Labcorp
Classification: Uncertain significance for Multiple endocrine neoplasia, type 2. Last evaluated: 2026-01-17. Review status: criteria provided, single submitter. Criteria: Invitae Variant Classification Sherloc (09022015). Collection method: clinical testing. Allele origin: germline.
Comment: This sequence change replaces threonine, which is neutral and polar, with isoleucine, which is neutral and non-polar, at codon 575 of the RET protein (p.Thr575Ile). This variant is present in population databases (rs587780808, gnomAD 0.01%). This variant has not been reported in the literature in individuals affected with RET-related conditions. ClinVar contains an entry for this variant (Variation ID: 136104). An algorithm developed to predict the effect of missense changes on protein structure and function (PolyPhen-2) suggests that this variant is likely to be tolerated. In summary, the available evidence is currently insufficient to determine the role of this variant in disease. Therefore, it has been classified as a Variant of Uncertain Significance.

PreventionGenetics, part of Exact Sciences
Classification: Uncertain significance for RET-related condition. Last evaluated: 2025-10-08. Review status: criteria provided, single submitter. Criteria: ACMG Guidelines, 2015. Collection method: clinical testing. Allele origin: germline.
Comment: The RET c.1724C>T variant is predicted to result in the amino acid substitution p.Thr575Ile. To our knowledge, this variant has not been reported in the literature. This variant is reported in 0.011% of alleles in individuals of African descent in gnomAD, which may be too common to be a primary cause of disease. This variant has been classified as a variant of uncertain significance in ClinVar (Variation ID: 136104). Although we suspect that this variant may be benign, at this time, the clinical significance of this variant is uncertain due to the absence of conclusive functional and genetic evidence.

All of Us Research Program, National Institutes of Health
Classification: Uncertain significance for Multiple endocrine neoplasia, type 2. Last evaluated: 2024-09-23. Review status: criteria provided, single submitter. Criteria: ACMG Guidelines, 2015. Collection method: clinical testing. Allele origin: germline. Inheritance: Autosomal dominant inheritance. Observed: 2 variant alleles, 2 heterozygotes.
Comment: This missense variant replaces threonine with isoleucine at codon 575 of the RET protein. Computational prediction suggests that this variant may not impact protein structure and function (internally defined REVEL score threshold <= 0.5, PMID: 27666373). To our knowledge, functional studies have not been reported for this variant. This variant has not been reported in individuals affected with hereditary cancer in the literature. This variant has been identified in 1/31372 chromosomes in the general population by the Genome Aggregation Database (gnomAD). The available evidence is insufficient to determine the role of this variant in disease conclusively. Therefore, this variant is classified as a Variant of Uncertain Significance.

This study involves interpretation of variants in research participants for the purpose of population health screening. Participant phenotype was not available at the time of variant classification. Additional details can be found in publication PMID: 35346344, PMCID: PMC8962531

Ambry Genetics
Classification: Uncertain significance for Hereditary cancer-predisposing syndrome. Last evaluated: 2023-09-21. Review status: criteria provided, single submitter. Criteria: Ambry Variant Classification Scheme 2023. Collection method: clinical testing. Allele origin: germline.
Comment: The p.T575I variant (also known as c.1724C>T), located in coding exon 9 of the RET gene, results from a C to T substitution at nucleotide position 1724. The threonine at codon 575 is replaced by isoleucine, an amino acid with similar properties. This amino acid position is poorly conserved in available vertebrate species. In addition, the in silico prediction for this alteration is inconclusive. Since supporting evidence is limited at this time, the clinical significance of this alteration remains unclear.

St. Jude Molecular Pathology, St. Jude Children's Research Hospital
Classification: Uncertain significance for Multiple endocrine neoplasia type 2A. Last evaluated: 2022-08-23. Review status: criteria provided, single submitter. Criteria: St. Jude Assertion Criteria 2020. Collection method: clinical testing. Allele origin: germline.
Comment: The RET c.1724C>T (p.Thr575Ile) missense change has a maximum subpopulation frequency of 0.011 % in gnomAD v2.1.1. The in silico tool REVEL predicts a benign effect on protein function, but to our knowledge this prediction has not been confirmed by functional studies. To our knowledge, this variant has not been reported in the literature in individuals with multiple endocrine neoplasia type 2. In summary, the evidence currently available is insufficient to determine the clinical significance of this variant. It has therefore been classified as of uncertain significance.

Counsyl
Classification: Uncertain significance for Multiple endocrine neoplasia type 2A. Last evaluated: 2017-07-14. Review status: no assertion criteria provided. Collection method: clinical testing. Allele origin: unknown. Not counted in ClinVar's aggregate classification.